The following is an entry in ClinVar:

ClinVar aggregate classification (germline): Uncertain significance (1 of 4 stars; one submission).

gnomAD v4.1: 2 of 1,613,960 alleles (0.00012%); highest among the groups gnomAD compares: Non-Finnish European, 0.00017%; no homozygotes.

Submission:

GeneDx
Classification: Uncertain significance. Last evaluated: 2022-01-21. Review status: criteria provided, single submitter. Criteria: GeneDx Variant Classification Process June 2021. Collection method: clinical testing. Allele origin: germline. Affected: yes.
Comment: Not observed at significant frequency in large population cohorts (gnomAD); In silico analysis supports that this missense variant does not alter protein structure/function; Has not been previously published as pathogenic or benign to our knowledge

NM_001080517.3(SETD5):c.3854C>A (p.Pro1285His)

Gene: SETD5 (SET domain containing 5; plus strand). Cytogenetic location: 3p25.3.
Variant type: single nucleotide variant.
Coding change: c.3854C>A on transcript NM_001080517.3 (MANE Select); coding-DNA position 3854, C replaced by A.
Protein change: p.Pro1285His; replaces proline 1285 with histidine.
Molecular consequence: missense variant.
Genome position (GRCh38, 1-based): chr3:9,475,616, C>A. VCF-style: chr3-9475616-C-A. GRCh37 (hg19) VCF-style: chr3-9517300-C-A.
Other names: c.3560C>A, p.Pro1187His (NM_001292043.2, NM_001349451.2); short protein forms P1187H, P1285H.
Identifiers: ClinVar variation 1335849 (VCV001335849.2), dbSNP rs376768374, ClinGen allele CA351691621.